The following is an entry in ClinVar:

ClinVar aggregate classification (germline): Uncertain significance (1 of 4 stars; one submission).

gnomAD v4.1: 12 of 1,614,046 alleles (0.00074%); highest among the groups gnomAD compares: Middle Eastern, 0.049%; no homozygotes.

Submission:

GeneDx
Classification: Uncertain significance. Last evaluated: 2026-02-25. Review status: criteria provided, single submitter. Criteria: GeneDx Variant Classification Process June 2021. Collection method: clinical testing. Allele origin: germline.
Comment: Not observed at significant frequency in large population cohorts (gnomAD); In silico analysis supports that this missense variant has a deleterious effect on protein structure/function; Has not been previously published as pathogenic or benign to our knowledge

NM_002635.4(SLC25A3):c.889A>C (p.Ser297Arg)

Gene: SLC25A3 (solute carrier family 25 member 3; plus strand). Cytogenetic location: 12q23.1.
Variant type: single nucleotide variant.
Coding change: c.889A>C on transcript NM_002635.4 (MANE Select); coding-DNA position 889, A replaced by C.
Protein change: p.Ser297Arg; replaces serine 297 with arginine.
Molecular consequence: missense variant.
Genome position (GRCh38, 1-based): chr12:98,601,245, A>C. VCF-style: chr12-98601245-A-C. GRCh37 (hg19) VCF-style: chr12-98995023-A-C.
Other names: c.892A>C, p.Ser298Arg (NM_005888.4); c.889A>C, p.Ser297Arg (NM_213611.3); short protein forms S298R, S297R.
Identifiers: ClinVar variation 5009980 (VCV005009980.1).